The following is an entry in ClinVar:

NM_024675.4(PALB2):c.2430_2432del (p.Pro812del)

Gene: PALB2 (partner and localizer of BRCA2; minus strand). Cytogenetic location: 16p12.2.
Variant type: Deletion.
Coding change: c.2430_2432del on transcript NM_024675.4 (MANE Select); coding-DNA positions 2430 to 2432, 3 bases deleted (TCC; older notation c.2430_2432delTCC).
Protein change: p.Pro812del; deletes proline 812.
Molecular consequence: inframe deletion. On other transcripts: inframe indel (18).
Genome position (GRCh38, 1-based): chr16:23,629,722-23,629,724, GGA deleted on the plus strand (TCC on the coding strand, the reverse complement: PALB2 is on the minus strand); deleting any 3 consecutive bases within chr16:23,629,722-23,629,726 gives the same sequence; the c. name uses the placement nearest the transcript's 3' end. VCF-style (leftmost placement, unchanged base first): chr16-23629721-TGGA-T. GRCh37 (hg19) VCF-style: chr16-23641042-TGGA-T.
Other names: c.2368_2370delCCT, p.Pro792del (NM_001407296.1); c.2428_2430delCCT, p.Pro812del (NM_001407297.1, NM_001407298.1, NM_001407299.1 and 3 more transcripts); c.1543_1545delCCT, p.Pro517del (NM_001407304.1, NM_001407305.1, NM_001407306.1 and 5 more transcripts); c.640_642delCCT, p.Pro216del (NM_001407312.1, NM_001407313.1); c.2430_2432delTCC (NM_024675.3); short protein forms P216del, P517del, P812del, P792del.
Identifiers: ClinVar variation 1791157 (VCV001791157.4), dbSNP rs2506405881, ClinGen allele CA2580091323.

ClinVar aggregate classification (germline): Uncertain significance. Review status: criteria provided, multiple submitters, no conflicts (2 of 4 stars). 3 submissions from 3 submitters: Uncertain significance (3). Last evaluated 2025-08-31.

Conditions:
Hereditary cancer-predisposing syndrome. Also called: Hereditary Cancer Syndrome; Hereditary neoplastic syndrome; Tumor predisposition; Neoplastic Syndromes, Hereditary. Identifiers: Orphanet 140162, MedGen C0027672, MeSH D009386, MONDO:0015356.
Familial cancer of breast. Also called: BREAST CANCER, FAMILIAL; Hereditary breast cancer; hereditary breast carcinoma. Identifiers: Orphanet 227535, MedGen C0346153, MONDO:0016419, OMIM 114480. Disease mechanism: loss of function.

Submissions (3):

Labcorp Genetics (formerly Invitae), Labcorp
Classification: Uncertain significance for Familial cancer of breast. Last evaluated: 2025-08-31. Review status: criteria provided, single submitter. Criteria: Invitae Variant Classification Sherloc (09022015). Collection method: clinical testing. Allele origin: germline.
Comment: This variant, c.2430_2432del, results in the deletion of 1 amino acid(s) of the PALB2 protein (p.Pro812del), but otherwise preserves the integrity of the reading frame. This variant is not present in population databases (gnomAD no frequency). This variant has not been reported in the literature in individuals affected with PALB2-related conditions. ClinVar contains an entry for this variant (Variation ID: 1791157). Experimental studies and prediction algorithms are not available or were not evaluated, and the functional significance of this variant is currently unknown. In summary, the available evidence is currently insufficient to determine the role of this variant in disease. Therefore, it has been classified as a Variant of Uncertain Significance.

Color Diagnostics, LLC DBA Color Health
Classification: Uncertain significance for Hereditary cancer-predisposing syndrome. Last evaluated: 2024-07-15. Review status: criteria provided, single submitter. Criteria: ACMG Guidelines, 2015. Collection method: clinical testing. Allele origin: germline.
Comment: This variant causes an in-frame deletion of a single residue, proline 812, in the PALB2 protein. To our knowledge, functional studies have not been reported for this variant. This variant has not been reported in individuals affected with PALB2-related disorders in the literature. This variant has not been identified in the general population by the Genome Aggregation Database (gnomAD). The available evidence is insufficient to determine the role of this variant in disease conclusively. Therefore, this variant is classified as a Variant of Uncertain Significance.

Ambry Genetics
Classification: Uncertain significance for Hereditary cancer-predisposing syndrome. Last evaluated: 2015-10-28. Review status: criteria provided, single submitter. Criteria: Ambry Variant Classification Scheme 2023. Collection method: clinical testing. Allele origin: germline.
Comment: The c.2430_2432delTCC variant (also known as p.P812del) is located in coding exon 5 of the PALB2 gene. This variant results from an in-frame deletion of 3 nucleotides at positions 2430 to 2432 and causes the removal of a proline residue at codon 812. This variant was not reported in population based cohorts in the following databases: Database of Single Nucleotide Polymorphisms (dbSNP), NHLBI Exome Sequencing Project (ESP), and 1000 Genomes Project. In the ESP, this variant was not observed in 6497 samples (12994 alleles) with coverage at this position. To date, this alteration has been detected with an allele frequency of approximately 0.001% (greater than 130000 alleles tested) in our clinical cohort. This amino acid position is not well conserved in available vertebrate species. Since supporting evidence is limited at this time, the clinical significance of c.2430_2432delTCC remains unclear.